The following is an entry in ClinVar:

ClinVar aggregate classification (germline): Uncertain significance (1 of 4 stars; one submission).

gnomAD v4.1: 1 of 1,206,902 alleles (0.000083%); highest among the groups gnomAD compares: Non-Finnish European, 0.00011%; no homozygotes.

Submission:

Labcorp Genetics (formerly Invitae), Labcorp
Classification: Uncertain significance. Last evaluated: 2024-07-03. Review status: criteria provided, single submitter. Criteria: Invitae Variant Classification Sherloc (09022015). Collection method: clinical testing. Allele origin: germline.
Comment: This sequence change replaces valine, which is neutral and non-polar, with isoleucine, which is neutral and non-polar, at codon 568 of the GRIA3 protein (p.Val568Ile). The frequency data for this variant in the population databases is considered unreliable, as metrics indicate poor data quality at this position in the gnomAD database. This variant has not been reported in the literature in individuals affected with GRIA3-related conditions. Advanced modeling of protein sequence and biophysical properties (such as structural, functional, and spatial information, amino acid conservation, physicochemical variation, residue mobility, and thermodynamic stability) performed at Invitae indicates that this missense variant is not expected to disrupt GRIA3 protein function with a negative predictive value of 80%. In summary, the available evidence is currently insufficient to determine the role of this variant in disease. Therefore, it has been classified as a Variant of Uncertain Significance.

NM_007325.5(GRIA3):c.1702G>A (p.Val568Ile)

Gene: GRIA3 (glutamate ionotropic receptor AMPA type subunit 3; plus strand). Cytogenetic location: Xq25.
Variant type: single nucleotide variant.
Coding change: c.1702G>A on transcript NM_007325.5 (MANE Select); coding-DNA position 1702, G replaced by A.
Protein change: p.Val568Ile; replaces valine 568 with isoleucine.
Molecular consequence: missense variant.
Genome position (GRCh38, 1-based): chrX:123,417,603, G>A. VCF-style: chrX-123417603-G-A. GRCh37 (hg19) VCF-style: chrX-122551454-G-A.
Other names: c.1702G>A, p.Val568Ile (NM_000828.5); short protein forms V568I.
Identifiers: ClinVar variation 3699893 (VCV003699893.2).
Genomic context (GRCh38, chrX:123,417,603, plus strand): 5'-CTGGATCCCCTGGCTTATGAAATCTGGATGTGCATTGTCTTTGCTTACATTGGAGTCAGC[G>A]TAGTTCTTTTCCTAGTCAGCAGGTTCAGTCCTTATGAATGGCACTTGGAAGACAACAATG-3'
Protein context (NP_015564.5, residues 558-578): CIVFAYIGVS[Val568Ile]VLFLVSRFSP